The following is an entry in ClinVar:

NM_198578.4(LRRK2):c.136A>T (p.Thr46Ser)

Gene: LRRK2 (leucine rich repeat kinase 2; plus strand). Cytogenetic location: 12q12.
Variant type: single nucleotide variant.
Coding change: c.136A>T on transcript NM_198578.4 (MANE Select); coding-DNA position 136, A replaced by T.
Protein change: p.Thr46Ser; replaces threonine 46 with serine.
Molecular consequence: missense variant.
Genome position (GRCh38, 1-based): chr12:40,225,267, A>T. VCF-style: chr12-40225267-A-T. GRCh37 (hg19) VCF-style: chr12-40619069-A-T.
Other names: short protein forms T46S.
Identifiers: ClinVar variation 1771008 (VCV001771008.2), dbSNP rs941811236, ClinGen allele CA384398734.

ClinVar aggregate classification (germline): Uncertain significance (1 of 4 stars; one submission).

Conditions:
Inborn genetic diseases. Identifiers: MedGen C0950123, MeSH D030342.

Allele frequency attached by ClinVar (database versions not stated): gnomAD exomes below 0.00001.
gnomAD v4.1: 1 of 1,614,166 alleles (0.000062%); highest among the groups gnomAD compares: Non-Finnish European, 0.000085%; no homozygotes.

Submission:

Ambry Genetics
Classification: Uncertain significance for Inborn genetic diseases. Last evaluated: 2022-06-05. Review status: criteria provided, single submitter. Criteria: Ambry Variant Classification Scheme 2023. Collection method: clinical testing. Allele origin: germline.
Comment: The p.T46S variant (also known as c.136A>T), located in coding exon 1 of the LRRK2 gene, results from an A to T substitution at nucleotide position 136. The threonine at codon 46 is replaced by serine, an amino acid with similar properties. This amino acid position is conserved. In addition, this alteration is predicted to be tolerated by in silico analysis. Since supporting evidence is limited at this time, the clinical significance of this alteration remains unclear.